The following is an entry in ClinVar:

NM_000179.3(MSH6):c.841G>A (p.Gly281Arg)

Gene: MSH6 (mutS homolog 6; plus strand). Cytogenetic location: 2p16.3.
Variant type: single nucleotide variant.
Coding change: c.841G>A on transcript NM_000179.3 (MANE Select); coding-DNA position 841, G replaced by A.
Protein change: p.Gly281Arg; replaces glycine 281 with arginine.
Molecular consequence: missense variant. On other transcripts: 5 prime UTR variant (9), non-coding transcript variant (4), intron variant (1).
Genome position (GRCh38, 1-based): chr2:47,798,824, G>A. VCF-style: chr2-47798824-G-A. GRCh37 (hg19) VCF-style: chr2-48025963-G-A.
Other names: c.451G>A, p.Gly151Arg (NM_001281492.2); c.-66G>A (NM_001281493.2, NM_001281494.2, NM_001406811.1 and 6 more transcripts); c.937G>A, p.Gly313Arg (NM_001406795.1, NM_001406802.1); c.841G>A, p.Gly281Arg (NM_001406796.1, NM_001406798.1, NM_001406800.1 and 4 more transcripts); c.544G>A, p.Gly182Arg (NM_001406797.1, NM_001406801.1, NM_001406805.1 and 10 more transcripts); c.316G>A, p.Gly106Arg (NM_001406799.1, NM_001406806.1, NM_001406807.1); c.763G>A, p.Gly255Arg (NM_001406804.1); c.847G>A, p.Gly283Arg (NM_001406813.1); and 2 more; short protein forms G106R, G182R, G225R, G313R, G255R, G281R, G283R, G151R.
Identifiers: ClinVar variation 3875073 (VCV003875073.1).
Genomic context (GRCh38, chr2:47,798,824, plus strand): 5'-TCTGATGTGGAATTTAAGCCAGACACTAAGGAGGAAGGAAGCAGTGATGAAATAAGCAGT[G>A]GAGTGGGGGATAGTGAGAGTGAAGGCCTGAACAGCCCTGTCAAAGTTGCTCGAAAGCGGA-3'
Protein context (NP_000170.1, residues 271-291): EEGSSDEISS[Gly281Arg]VGDSESEGLN

ClinVar aggregate classification (germline): Uncertain significance (1 of 4 stars; one submission).

Conditions:
Hereditary cancer-predisposing syndrome. Also called: Tumor predisposition; Neoplastic Syndromes, Hereditary; Hereditary Cancer Syndrome; Hereditary neoplastic syndrome. Identifiers: Orphanet 140162, MedGen C0027672, MeSH D009386, MONDO:0015356.

gnomAD v4.1: 1 of 1,614,066 alleles (0.000062%); highest among the groups gnomAD compares: Non-Finnish European, 0.000085%; no homozygotes.

Submission:

Ambry Genetics
Classification: Uncertain significance for Hereditary cancer-predisposing syndrome. Last evaluated: 2025-01-10. Review status: criteria provided, single submitter. Criteria: Ambry Variant Classification Scheme 2023. Collection method: clinical testing. Allele origin: germline.
Comment: The p.G281R variant (also known as c.841G>A), located in coding exon 4 of the MSH6 gene, results from a G to A substitution at nucleotide position 841. The glycine at codon 281 is replaced by arginine, an amino acid with dissimilar properties. This amino acid position is conserved. In addition, the in silico prediction for this alteration is inconclusive. Based on the available evidence, the clinical significance of this variant remains unclear.